The following is an entry in ClinVar:

ClinVar aggregate classification (germline): Conflicting classifications of pathogenicity. Review status: criteria provided, conflicting classifications (1 of 4 stars). 6 submissions from 6 submitters: Uncertain significance (5); Likely benign (1). Last evaluated 2024-05-10.

Conditions:
Autosomal recessive spinocerebellar ataxia 14. Also called: CEREBELLAR ATAXIA, AUTOSOMAL RECESSIVE, SPECTRIN-ASSOCIATED, 1. Identifiers: Orphanet 352403, MedGen C4706415, MONDO:0014159, OMIM 615386.

Allele frequency attached by ClinVar (database versions not stated): gnomAD 0.00001; ExAC 0.00002; TOPMed 0.00002; gnomAD exomes 0.00004 and 0.00005.
gnomAD v4.1: 84 of 1,614,048 alleles (0.0052%); highest among the groups gnomAD compares: Middle Eastern, 0.56%; 1 homozygote.

Submissions (6):

Blueprint Genetics
Classification: Uncertain significance. Last evaluated: 2024-05-10. Review status: criteria provided, single submitter. Criteria: ACMG Guidelines, 2015. Collection method: clinical testing. Allele origin: germline.

Labcorp Genetics (formerly Invitae), Labcorp
Classification: Likely benign. Last evaluated: 2023-05-09. Review status: criteria provided, single submitter. Criteria: Invitae Variant Classification Sherloc (09022015). Collection method: clinical testing. Allele origin: germline.

Athena Diagnostics
Classification: Uncertain significance. Last evaluated: 2021-12-17. Review status: criteria provided, single submitter. Criteria: Athena Diagnostics Criteria. Collection method: clinical testing. Allele origin: unknown.

Revvity Omics, Revvity
Classification: Uncertain significance. Last evaluated: 2021-11-02. Review status: criteria provided, single submitter. Criteria: ACMG Guidelines, 2015. Collection method: clinical testing. Allele origin: germline.

Baylor Genetics
Classification: Uncertain significance for Autosomal recessive spinocerebellar ataxia 14. Last evaluated: 2019-09-20. Review status: criteria provided, single submitter. Criteria: ACMG Guidelines, 2015. Collection method: clinical testing. Allele origin: unknown. Affected: yes.
Comment: This variant was determined to be of uncertain significance according to ACMG Guidelines, 2015 [PMID:25741868].

Breakthrough Genomics
Classification: Uncertain significance. Review status: criteria provided, single submitter. Criteria: ACMG Guidelines, 2015. Collection method: not provided. Allele origin: germline. Inheritance: Autosomal recessive inheritance. Affected: yes.

NM_006946.4(SPTBN2):c.6802G>A (p.Val2268Met)

Gene: SPTBN2 (spectrin beta, non-erythrocytic 2; minus strand). Cytogenetic location: 11q13.2.
Variant type: single nucleotide variant.
Coding change: c.6802G>A on transcript NM_006946.4 (MANE Select); coding-DNA position 6802, G replaced by A.
Protein change: p.Val2268Met; replaces valine 2268 with methionine.
Molecular consequence: missense variant.
Genome position (GRCh38, 1-based): chr11:66,687,088, C>T on the plus strand (G>A on the coding strand, the complement: SPTBN2 is on the minus strand). VCF-style: chr11-66687088-C-T. GRCh37 (hg19) VCF-style: chr11-66454559-C-T.
Other names: c.6802G>A (NM_006946.3); short protein forms V2268M.
Identifiers: ClinVar variation 1029116 (VCV001029116.14), dbSNP rs750623875, ClinGen allele CA6127783.